The following is an entry in ClinVar:

NM_002109.6(HARS1):c.1061_1062del (p.Val354fs)

Gene: HARS1 (histidyl-tRNA synthetase 1; minus strand). Cytogenetic location: 5q31.3.
Variant type: Microsatellite.
Coding change: c.1061_1062del on transcript NM_002109.6 (MANE Select); coding-DNA positions 1061 to 1062, 2 bases deleted (TG; older notation c.1061_1062delTG).
Protein change: p.Val354fs; shifts the reading frame from valine 354.
Molecular consequence: frameshift variant.
Genome position (GRCh38, 1-based): chr5:140,676,786-140,676,787, CA deleted on the plus strand (TG on the coding strand, the reverse complement: HARS1 is on the minus strand); deleting any 2 consecutive bases within chr5:140,676,786-140,676,790 gives the same sequence; the c. name uses the placement nearest the transcript's 3' end. VCF-style (leftmost placement, unchanged base first): chr5-140676785-CCA-C. GRCh37 (hg19) VCF-style: chr5-140056370-CCA-C.
Other names: c.941_942del, p.Val314fs (NM_001258040.3); c.1001_1002del, p.Val334fs (NM_001258041.3); c.881_882del, p.Val294fs (NM_001258042.3); c.839_840del, p.Val280fs (NM_001289092.2); c.719_720del, p.Val240fs (NM_001289093.2); c.974_975del, p.Val325fs (NM_001289094.2); short protein forms V314fs, V354fs, V240fs, V280fs, V334fs, V294fs, V325fs.
Identifiers: ClinVar variation 2864081 (VCV002864081.3), dbSNP rs2481247140, ClinGen allele CA2739275117.

ClinVar aggregate classification (germline): Uncertain significance (1 of 4 stars; one submission).

Conditions:
Usher syndrome type 3B. Also called: USHER SYNDROME, TYPE IIIB. Identifiers: MedGen C3281066, MONDO:0013788, OMIM 614504.

Submission:

Labcorp Genetics (formerly Invitae), Labcorp
Classification: Uncertain significance for Usher syndrome type 3B. Last evaluated: 2023-05-13. Review status: criteria provided, single submitter. Criteria: Invitae Variant Classification Sherloc (09022015). Collection method: clinical testing. Allele origin: germline.
Comment: This variant has not been reported in the literature in individuals affected with HARS-related conditions. This sequence change creates a premature translational stop signal (p.Val354Glyfs*10) in the HARS gene. It is expected to result in an absent or disrupted protein product. However, the current clinical and genetic evidence is not sufficient to establish whether loss-of-function variants in HARS cause disease. This variant is not present in population databases (gnomAD no frequency). In summary, the available evidence is currently insufficient to determine the role of this variant in disease. Therefore, it has been classified as a Variant of Uncertain Significance.